The following is an entry in ClinVar:

NM_005751.5(AKAP9):c.719T>C (p.Ile240Thr)

Gene: AKAP9 (A-kinase anchoring protein 9; plus strand). Cytogenetic location: 7q21.2.
Variant type: single nucleotide variant.
Coding change: c.719T>C on transcript NM_005751.5 (MANE Select); coding-DNA position 719, T replaced by C.
Protein change: p.Ile240Thr; replaces isoleucine 240 with threonine.
Molecular consequence: missense variant.
Genome position (GRCh38, 1-based): chr7:91,994,763, T>C. VCF-style: chr7-91994763-T-C. GRCh37 (hg19) VCF-style: chr7-91624077-T-C.
Other names: c.719T>C, p.Ile240Thr (NM_147185.3); short protein forms I240T.
Identifiers: ClinVar variation 2039106 (VCV002039106.4), dbSNP rs1488214299, ClinGen allele CA368120049.

ClinVar aggregate classification (germline): Uncertain significance (1 of 4 stars; one submission).

Conditions:
Long QT syndrome (LQTS). Identifiers: MedGen C0023976, MeSH D008133, MONDO:0002442. Disease mechanism: loss of function. Inheritance: Various modes of inheritance.

Allele frequency attached by ClinVar (database versions not stated): gnomAD exomes below 0.00001; TOPMed below 0.00001; gnomAD 0.00001.
gnomAD v4.1: 3 of 1,611,012 alleles (0.00019%); highest among the groups gnomAD compares: Non-Finnish European, 0.00025%; no homozygotes.

Submission:

Labcorp Genetics (formerly Invitae), Labcorp
Classification: Uncertain significance for Long QT syndrome. Last evaluated: 2021-12-09. Review status: criteria provided, single submitter. Criteria: Invitae Variant Classification Sherloc (09022015). Collection method: clinical testing. Allele origin: germline.
Comment: This sequence change replaces isoleucine, which is neutral and non-polar, with threonine, which is neutral and polar, at codon 240 of the AKAP9 protein (p.Ile240Thr). This variant is not present in population databases (gnomAD no frequency). This variant has not been reported in the literature in individuals affected with AKAP9-related conditions. Algorithms developed to predict the effect of missense changes on protein structure and function are either unavailable or do not agree on the potential impact of this missense change (SIFT: "Deleterious"; PolyPhen-2: "Probably Damaging"; Align-GVGD: "Class C0"). In summary, the available evidence is currently insufficient to determine the role of this variant in disease. Therefore, it has been classified as a Variant of Uncertain Significance.